The following is an entry in ClinVar:

ClinVar aggregate classification (germline): Likely pathogenic (1 of 4 stars; one submission).

Submission:

GeneDx
Classification: Likely pathogenic. Last evaluated: 2017-10-20. Review status: criteria provided, single submitter. Criteria: GeneDx Variant Classification (06012015). Collection method: clinical testing. Allele origin: germline. Affected: yes.
Comment: he L1392R variant in the COL3A1 gene has not been reported previously as a pathogenic variant, nor as a benign variant, to our knowledge. The L1392R variant is not observed in large population cohorts (Lek et al., 2016). The L1392R variant is a non-conservative amino acid substitution, which is likely to impact secondary protein structure as these residues differ in polarity, charge, size and/or other properties. This substitution occurs at a position where amino acids with similar properties to Leucine are tolerated across species. In silico analysis predicts this variant is probably damaging to the protein structure/function. We interpret L1392R as a likely pathogenic variant.

NM_000090.4(COL3A1):c.4175T>G (p.Leu1392Arg)

Gene: COL3A1 (collagen type III alpha 1 chain; plus strand). Cytogenetic location: 2q32.2.
Variant type: single nucleotide variant.
Coding change: c.4175T>G on transcript NM_000090.4 (MANE Select); coding-DNA position 4175, T replaced by G.
Protein change: p.Leu1392Arg; replaces leucine 1392 with arginine.
Molecular consequence: missense variant.
Genome position (GRCh38, 1-based): chr2:189,010,811, T>G. VCF-style: chr2-189010811-T-G. GRCh37 (hg19) VCF-style: chr2-189875537-T-G.
Other names: short protein forms L1392R.
Identifiers: ClinVar variation 452922 (VCV000452922.2), dbSNP rs1553509934, ClinGen allele CA349849556.